The following is an entry in ClinVar:

ClinVar aggregate classification (germline): Likely benign. Review status: criteria provided, single submitter (1 of 4 stars). 2 submissions from 2 submitters: Likely benign (1). 1 of the submissions does not count toward it. Last evaluated 2025-10-15.

Conditions:
Developmental and epileptic encephalopathy, 34 (DEE34). Also called: Early infantile epileptic encephalopathy 34; SLC12A5-Related Epilepsy of Infancy with Migrating Focal Seizures. Identifiers: Orphanet 293181, MedGen C4225257, MONDO:0014718, OMIM 616645.
SLC12A5-related disorder. Also called: SLC12A5-related condition.

Allele frequency attached by ClinVar (database versions not stated): TOPMed 0.00005; ExAC 0.00006; gnomAD exomes 0.00009; 1000 Genomes Project 30x 0.00047; 1000 Genomes Project 0.00060; gnomAD 0.00002 and 0.00004.
gnomAD v4.1: 25 of 1,612,382 alleles (0.0016%); highest among the groups gnomAD compares: East Asian, 0.047%; no homozygotes.

Submissions (2):

Labcorp Genetics (formerly Invitae), Labcorp
Classification: Likely benign for Developmental and epileptic encephalopathy, 34. Last evaluated: 2025-10-15. Review status: criteria provided, single submitter. Criteria: Invitae Variant Classification Sherloc (09022015). Collection method: clinical testing. Allele origin: germline.

PreventionGenetics, part of Exact Sciences
Classification: Likely benign for SLC12A5-related condition. Last evaluated: 2019-08-20. Review status: no assertion criteria provided. Collection method: clinical testing. Allele origin: germline. Not counted in ClinVar's aggregate classification.
Comment: This variant is classified as likely benign based on ACMG/AMP sequence variant interpretation guidelines (Richards et al. 2015 PMID: 25741868, with internal and published modifications).

NM_020708.5(SLC12A5):c.1688+7G>A

Gene: SLC12A5 (solute carrier family 12 member 5; plus strand). Cytogenetic location: 20q13.12.
Variant type: single nucleotide variant.
Coding change: c.1688+7G>A on transcript NM_020708.5 (MANE Select); 7 bases into the intron after coding-DNA position 1688, G replaced by A.
Molecular consequence: intron variant.
Genome position (GRCh38, 1-based): chr20:46,046,003, G>A. VCF-style: chr20-46046003-G-A. GRCh37 (hg19) VCF-style: chr20-44674642-G-A.
Other names: c.1757+7G>A (NM_001134771.2); c.1688+7G>A (NM_020708.4).
Identifiers: ClinVar variation 1086092 (VCV001086092.11), dbSNP rs192325760, ClinGen allele CA9887393.